The following is an entry in ClinVar:

NM_001184.4(ATR):c.1318C>T (p.Pro440Ser)

Gene: ATR (ATR checkpoint kinase; minus strand). Cytogenetic location: 3q23.
Variant type: single nucleotide variant.
Coding change: c.1318C>T on transcript NM_001184.4 (MANE Select); coding-DNA position 1318, C replaced by T.
Protein change: p.Pro440Ser; replaces proline 440 with serine.
Molecular consequence: missense variant.
Genome position (GRCh38, 1-based): chr3:142,561,274, G>A on the plus strand (C>T on the coding strand, the complement: ATR is on the minus strand). VCF-style: chr3-142561274-G-A. GRCh37 (hg19) VCF-style: chr3-142280116-G-A.
Other names: c.1318C>T, p.Pro440Ser (NM_001354579.2); short protein forms P440S.
Identifiers: ClinVar variation 343619 (VCV000343619.16), dbSNP rs535140939, ClinGen allele CA2650631.

ClinVar aggregate classification (germline): Conflicting classifications of pathogenicity. Review status: criteria provided, conflicting classifications (1 of 4 stars). 3 submissions from 3 submitters: Uncertain significance (2); Likely benign (1). Last evaluated 2025-05-11.

Conditions:
Seckel syndrome 1 (SCKL1). Also called: MICROCEPHALIC PRIMORDIAL DWARFISM I. Identifiers: Orphanet 808, MedGen C4551474, MONDO:0008869, OMIM 210600.
Inborn genetic diseases. Identifiers: MedGen C0950123, MeSH D030342.

Allele frequency attached by ClinVar (database versions not stated): gnomAD 0.00002 and 0.00003; TOPMed 0.00003; 1000 Genomes Project 0.00020; 1000 Genomes Project 30x 0.00031.
gnomAD v4.1: 7 of 1,614,010 alleles (0.00043%); highest among the groups gnomAD compares: African/African-American, 0.0093%; no homozygotes.

Submissions (3):

Ambry Genetics
Classification: Likely benign for Inborn genetic diseases. Last evaluated: 2025-05-11. Review status: criteria provided, single submitter. Criteria: Ambry Variant Classification Scheme 2023. Collection method: clinical testing. Allele origin: germline.

Labcorp Genetics (formerly Invitae), Labcorp
Classification: Uncertain significance. Last evaluated: 2023-04-14. Review status: criteria provided, single submitter. Criteria: Invitae Variant Classification Sherloc (09022015). Collection method: clinical testing. Allele origin: germline.
Comment: In summary, the available evidence is currently insufficient to determine the role of this variant in disease. Therefore, it has been classified as a Variant of Uncertain Significance. Algorithms developed to predict the effect of missense changes on protein structure and function output the following: SIFT: "Not Available"; PolyPhen-2: "Benign"; Align-GVGD: "Not Available". The serine amino acid residue is found in multiple mammalian species, which suggests that this missense change does not adversely affect protein function. ClinVar contains an entry for this variant (Variation ID: 343619). This variant has not been reported in the literature in individuals affected with ATR-related conditions. This variant is present in population databases (rs535140939, gnomAD 0.03%). This sequence change replaces proline, which is neutral and non-polar, with serine, which is neutral and polar, at codon 440 of the ATR protein (p.Pro440Ser).

Illumina Laboratory Services, Illumina
Classification: Uncertain significance for Seckel syndrome 1. Last evaluated: 2018-01-13. Review status: criteria provided, single submitter. Criteria: ICSL Variant Classification Criteria 13 December 2019. Collection method: clinical testing. Allele origin: germline.